The following is an entry in ClinVar:

ClinVar aggregate classification (germline): Uncertain significance (1 of 4 stars; one submission).

Submission:

Labcorp Genetics (formerly Invitae), Labcorp
Classification: Uncertain significance. Last evaluated: 2024-01-30. Review status: criteria provided, single submitter. Criteria: Invitae Variant Classification Sherloc (09022015). Collection method: clinical testing. Allele origin: germline.
Comment: This sequence change replaces alanine, which is neutral and non-polar, with serine, which is neutral and polar, at codon 265 of the FH protein (p.Ala265Ser). This variant is not present in population databases (gnomAD no frequency). This variant has not been reported in the literature in individuals affected with FH-related conditions. Advanced modeling of protein sequence and biophysical properties (such as structural, functional, and spatial information, amino acid conservation, physicochemical variation, residue mobility, and thermodynamic stability) performed at Invitae indicates that this missense variant is not expected to disrupt FH protein function with a negative predictive value of 95%. In summary, the available evidence is currently insufficient to determine the role of this variant in disease. Therefore, it has been classified as a Variant of Uncertain Significance.

NM_000143.4(FH):c.793G>T (p.Ala265Ser)

Gene: FH (fumarate hydratase; minus strand). Cytogenetic location: 1q43.
Variant type: single nucleotide variant.
Coding change: c.793G>T on transcript NM_000143.4 (MANE Select); coding-DNA position 793, G replaced by T.
Protein change: p.Ala265Ser; replaces alanine 265 with serine.
Molecular consequence: missense variant.
Genome position (GRCh38, 1-based): chr1:241,506,114, C>A on the plus strand (G>T on the coding strand, the complement: FH is on the minus strand). VCF-style: chr1-241506114-C-A. GRCh37 (hg19) VCF-style: chr1-241669414-C-A.
Other names: short protein forms A265S.
Identifiers: ClinVar variation 2803773 (VCV002803773.3), dbSNP rs387906545, ClinGen allele CA345439010.
Genomic context (GRCh38, chr1:241,506,114, plus strand): 5'-TATTTAAACCTGTACCAACAGCAGTGCCTCCAGCTGCGAGCTCATAGATTCTTGGCATGG[C>A]AGCTTTTATTCTTGTCATTGCATATTTTACTTGTTGAACATAACCACTAAATTCCTGAAA-3'
Protein context (NP_000134.2, residues 255-275): VKYAMTRIKA[Ala265Ser]MPRIYELAAG